The following is an entry in ClinVar:

NM_002232.5(KCNA3):c.364C>T (p.Leu122Phe)

Gene: KCNA3 (potassium voltage-gated channel subfamily A member 3; minus strand). Cytogenetic location: 1p13.3.
Variant type: single nucleotide variant.
Coding change: c.364C>T on transcript NM_002232.5 (MANE Select); coding-DNA position 364, C replaced by T.
Protein change: p.Leu122Phe; replaces leucine 122 with phenylalanine.
Molecular consequence: missense variant.
Genome position (GRCh38, 1-based): chr1:110,674,446, G>A on the plus strand (C>T on the coding strand, the complement: KCNA3 is on the minus strand). VCF-style: chr1-110674446-G-A. GRCh37 (hg19) VCF-style: chr1-111217068-G-A.
Other names: short protein forms L122F.
Identifiers: ClinVar variation 3765901 (VCV003765901.1).

ClinVar aggregate classification (germline): Uncertain significance (1 of 4 stars; one submission).

gnomAD v4.1: 1 of 1,614,104 alleles (0.000062%); highest among the groups gnomAD compares: East Asian, 0.0022%; no homozygotes.

Submission:

GeneDx
Classification: Uncertain significance. Last evaluated: 2024-08-27. Review status: criteria provided, single submitter. Criteria: GeneDx Variant Classification Process June 2021. Collection method: clinical testing. Allele origin: germline. Affected: yes.
Comment: Not observed at significant frequency in large population cohorts (gnomAD); In silico analysis supports that this missense variant has a deleterious effect on protein structure/function; Has not been previously published as pathogenic or benign to our knowledge